The following is an entry in ClinVar:

NM_002180.3(IGHMBP2):c.736A>G (p.Ile246Val)

Gene: IGHMBP2 (immunoglobulin mu DNA binding protein 2; plus strand). Cytogenetic location: 11q13.3.
Variant type: single nucleotide variant.
Coding change: c.736A>G on transcript NM_002180.3 (MANE Select); coding-DNA position 736, A replaced by G.
Protein change: p.Ile246Val; replaces isoleucine 246 with valine.
Molecular consequence: missense variant.
Genome position (GRCh38, 1-based): chr11:68,914,847, A>G. VCF-style: chr11-68914847-A-G. GRCh37 (hg19) VCF-style: chr11-68682315-A-G.
Other names: short protein forms I246V.
Identifiers: ClinVar variation 245931 (VCV000245931.9), dbSNP rs377678376, ClinGen allele CA6153385.

ClinVar aggregate classification (germline): Uncertain significance. Review status: criteria provided, multiple submitters, no conflicts (2 of 4 stars). 3 submissions from 3 submitters: Uncertain significance (3). Last evaluated 2022-07-06.

Conditions:
Inborn genetic diseases. Identifiers: MedGen C0950123, MeSH D030342.
Autosomal recessive distal spinal muscular atrophy 1. Also called: HMN VI; NEURONOPATHY, SEVERE INFANTILE AXONAL, WITH RESPIRATORY FAILURE; NEURONOPATHY, DISTAL HEREDITARY MOTOR, HARDING TYPE VI; NEUROPATHY, DISTAL HEREDITARY MOTOR, AUTOSOMAL RECESSIVE 1; SEVERE INFANTILE AXONAL NEUROPATHY WITH RESPIRATORY FAILURE; SPINAL MUSCULAR ATROPHY, DIAPHRAGMATIC. Identifiers: Orphanet 98920, MedGen C1858517, MONDO:0011436, OMIM 604320.
Charcot-Marie-Tooth disease axonal type 2S. Also called: CHARCOT-MARIE-TOOTH DISEASE, AXONAL, AUTOSOMAL RECESSIVE, TYPE 2S; CHARCOT-MARIE-TOOTH NEUROPATHY, TYPE 2S. Identifiers: Orphanet 443073, MedGen C4015349, MONDO:0014511, OMIM 616155.

Allele frequency attached by ClinVar (database versions not stated): gnomAD exomes 0.00001; ExAC 0.00002; gnomAD 0.00002; TOPMed 0.00002; ESP Exome Variant Server 0.00008.
gnomAD v4.1: 21 of 1,614,108 alleles (0.0013%); highest among the groups gnomAD compares: Non-Finnish European, 0.0017%; no homozygotes.

Submissions (3):

Labcorp Genetics (formerly Invitae), Labcorp
Classification: Uncertain significance for Autosomal recessive distal spinal muscular atrophy 1; Charcot-Marie-Tooth disease axonal type 2S. Last evaluated: 2022-07-06. Review status: criteria provided, single submitter. Criteria: Invitae Variant Classification Sherloc (09022015). Collection method: clinical testing. Allele origin: germline.
Comment: This sequence change replaces isoleucine, which is neutral and non-polar, with valine, which is neutral and non-polar, at codon 246 of the IGHMBP2 protein (p.Ile246Val). This variant is present in population databases (rs377678376, gnomAD 0.003%). This variant has not been reported in the literature in individuals affected with IGHMBP2-related conditions. ClinVar contains an entry for this variant (Variation ID: 245931). Advanced modeling of protein sequence and biophysical properties (such as structural, functional, and spatial information, amino acid conservation, physicochemical variation, residue mobility, and thermodynamic stability) performed at Invitae indicates that this missense variant is not expected to disrupt IGHMBP2 protein function. In summary, the available evidence is currently insufficient to determine the role of this variant in disease. Therefore, it has been classified as a Variant of Uncertain Significance.

Ambry Genetics
Classification: Uncertain significance for Inborn genetic diseases. Last evaluated: 2019-12-30. Review status: criteria provided, single submitter. Criteria: Ambry Variant Classification Scheme 2023. Collection method: clinical testing. Allele origin: germline.
Comment: The p.I246V variant (also known as c.736A>G), located in coding exon 6 of the IGHMBP2 gene, results from an A to G substitution at nucleotide position 736. The isoleucine at codon 246 is replaced by valine, an amino acid with highly similar properties. This amino acid position is not well conserved in available vertebrate species. In addition, this alteration is predicted to be tolerated by in silico analysis. Since supporting evidence is limited at this time, the clinical significance of this alteration remains unclear.

GeneDx
Classification: Uncertain significance. Last evaluated: 2015-09-04. Review status: criteria provided, single submitter. Criteria: GeneDx Variant Classification (06012015). Collection method: clinical testing. Allele origin: germline. Affected: yes.
Comment: The I246V variant has not been published as a pathogenic variant, nor has it been reported as a benign polymorphism to our knowledge. It was not observed with any significant frequency in approximately 6,500 individuals of European and African American ancestry in the NHLBI Exome Sequencing Project. The I246V variant is a conservative amino acid substitution, which is not likely to impact secondary protein structure as these residues share similar properties. This substitution occurs at a position where amino acids with similar properties to Isoleucine are tolerated across species. However, in silico analysis is inconsistent in its predictions as to whether or not the variant is damaging to the protein structure/function. Additionally, missense mutations in nearby residues (C241R; N245S; L251P) have been reported in the Human Gene Mutation Database in association with IGHMBP2-related disorders (Stenson et al., 2014), supporting the functional importance of this region of the protein. Therefore, based on the currently available information, it is unclear whether the I246V variant is a pathogenic variant or a rare benign variant.